The following is an entry in ClinVar:

ClinVar aggregate classification (germline): Uncertain significance (1 of 4 stars; one submission).

Allele frequency attached by ClinVar (database versions not stated): gnomAD exomes below 0.00001.
gnomAD v4.1: 1 of 1,612,028 alleles (0.000062%); highest among the groups gnomAD compares: Non-Finnish European, 0.000085%; no homozygotes.

Submission:

Labcorp Genetics (formerly Invitae), Labcorp
Classification: Uncertain significance. Last evaluated: 2023-04-26. Review status: criteria provided, single submitter. Criteria: Invitae Variant Classification Sherloc (09022015). Collection method: clinical testing. Allele origin: germline.
Comment: In summary, the available evidence is currently insufficient to determine the role of this variant in disease. Therefore, it has been classified as a Variant of Uncertain Significance. An algorithm developed to predict the effect of missense changes on protein structure and function (PolyPhen-2) suggests that this variant is likely to be tolerated. This variant has not been reported in the literature in individuals affected with ADGRA3-related conditions. This variant is not present in population databases (gnomAD no frequency). This sequence change replaces valine, which is neutral and non-polar, with isoleucine, which is neutral and non-polar, at codon 420 of the ADGRA3 protein (p.Val420Ile).

NM_145290.4(ADGRA3):c.1258G>A (p.Val420Ile)

Gene: ADGRA3 (adhesion G protein-coupled receptor A3; minus strand). Cytogenetic location: 4p15.2.
Variant type: single nucleotide variant.
Coding change: c.1258G>A on transcript NM_145290.4 (MANE Select); coding-DNA position 1258, G replaced by A.
Protein change: p.Val420Ile; replaces valine 420 with isoleucine.
Molecular consequence: missense variant.
Genome position (GRCh38, 1-based): chr4:22,436,469, C>T on the plus strand (G>A on the coding strand, the complement: ADGRA3 is on the minus strand). VCF-style: chr4-22436469-C-T. GRCh37 (hg19) VCF-style: chr4-22438092-C-T.
Other names: short protein forms V420I.
Identifiers: ClinVar variation 2794825 (VCV002794825.3), dbSNP rs915267698, ClinGen allele CA93527914.